The following is an entry in ClinVar:

NM_001367624.2(ZNF469):c.10177C>G (p.Arg3393Gly)

Gene: ZNF469 (zinc finger protein 469; plus strand). Cytogenetic location: 16q24.2.
Variant type: single nucleotide variant.
Coding change: c.10177C>G on transcript NM_001367624.2 (MANE Select); coding-DNA position 10177, C replaced by G.
Protein change: p.Arg3393Gly; replaces arginine 3393 with glycine.
Molecular consequence: missense variant.
Genome position (GRCh38, 1-based): chr16:88,437,647, C>G. VCF-style: chr16-88437647-C-G. GRCh37 (hg19) VCF-style: chr16-88504055-C-G.
Other names: short protein forms R3393G.
Identifiers: ClinVar variation 4701620 (VCV004701620.1).

ClinVar aggregate classification (germline): Uncertain significance (1 of 4 stars; one submission).

gnomAD v4.1: 1 of 1,543,388 alleles (0.000065%); highest among the groups gnomAD compares: East Asian, 0.0025%; no homozygotes.

Submission:

Labcorp Genetics (formerly Invitae), Labcorp
Classification: Uncertain significance. Last evaluated: 2025-04-17. Review status: criteria provided, single submitter. Criteria: Invitae Variant Classification Sherloc (09022015). Collection method: clinical testing. Allele origin: germline.
Comment: This sequence change replaces arginine, which is basic and polar, with glycine, which is neutral and non-polar, at codon 3365 of the ZNF469 protein (p.Arg3365Gly). This variant is not present in population databases (gnomAD no frequency). This variant has not been reported in the literature in individuals affected with ZNF469-related conditions. An algorithm developed to predict the effect of missense changes on protein structure and function (PolyPhen-2) suggests that this variant is likely to be tolerated. In summary, the available evidence is currently insufficient to determine the role of this variant in disease. Therefore, it has been classified as a Variant of Uncertain Significance.